The following is an entry in ClinVar:

NM_007294.4(BRCA1):c.1261G>T (p.Glu421Ter)

Gene: BRCA1 (BRCA1 DNA repair associated; minus strand). Cytogenetic location: 17q21.31.
Variant type: single nucleotide variant.
Coding change: c.1261G>T on transcript NM_007294.4 (MANE Select); coding-DNA position 1261, G replaced by T.
Protein change: p.Glu421Ter; replaces glutamic acid 421 with a stop codon.
Molecular consequence: nonsense. On other transcripts: intron variant (137).
Genome position (GRCh38, 1-based): chr17:43,094,270, C>A on the plus strand (G>T on the coding strand, the complement: BRCA1 is on the minus strand). VCF-style: chr17-43094270-C-A. GRCh37 (hg19) VCF-style: chr17-41246287-C-A.
Other names: 1380G>T; c.1258G>T, p.Glu420Ter (NM_001407611.1, NM_001407612.1, NM_001407613.1 and 22 more transcripts); c.1261G>T, p.Glu421Ter (NM_001407616.1, NM_001407617.1, NM_001407618.1 and 30 more transcripts); c.1183G>T, p.Glu395Ter (NM_001407653.1, NM_001407654.1, NM_001407655.1 and 4 more transcripts); c.1180G>T, p.Glu394Ter (NM_001407659.1, NM_001407660.1, NM_001407661.1 and 1 more transcripts); c.1135G>T, p.Glu379Ter (NM_001407671.1, NM_001407672.1, NM_001407673.1 and 11 more transcripts); c.1138G>T, p.Glu380Ter (NM_001407674.1, NM_001407675.1, NM_001407676.1 and 19 more transcripts); c.1120G>T, p.Glu374Ter (NM_001407692.1, NM_001407694.1, NM_001407695.1 and 29 more transcripts); and 41 more; short protein forms E421*, E374*, E294*, E333*, E353*, E395*, E125*, E253*.
Identifiers: ClinVar variation 266150 (VCV000266150.15), dbSNP rs80357046, ClinGen allele CA10589954.

ClinVar aggregate classification (germline): Pathogenic. Review status: reviewed by expert panel (3 of 4 stars). 6 submissions from 6 submitters: Pathogenic (1). 5 of the submissions do not count toward it. Last evaluated 2016-10-18.

Conditions:
Familial cancer of breast. Also called: BREAST CANCER, FAMILIAL; hereditary breast carcinoma; Hereditary breast cancer. Identifiers: Orphanet 227535, MedGen C0346153, MONDO:0016419, OMIM 114480. Disease mechanism: loss of function.
Hereditary breast ovarian cancer syndrome. Also called: Hereditary breast and ovarian cancer syndrome (HBOC); Breast and ovarian cancer; Hereditary breast and ovarian cancer syndrome; Hereditary breast and ovarian cancer; BRCA1- and BRCA2-Associated Hereditary Breast and Ovarian Cancer; Hereditary breast and/or ovarian cancer syndrome. Identifiers: Orphanet 145, MedGen C0677776, MeSH D061325, MONDO:0003582. Disease mechanism: loss of function.
Breast-ovarian cancer, familial, susceptibility to, 1 (BROVCA1). Also called: BRCA1 Hereditary Breast and Ovarian Cancer; OVARIAN CANCER, SUSCEPTIBILITY TO. Identifiers: Orphanet 145, MedGen C2676676, MONDO:0011450, OMIM 604370. Disease mechanism: loss of function.
Hereditary cancer-predisposing syndrome. Also called: Hereditary Cancer Syndrome; Neoplastic Syndromes, Hereditary; Hereditary neoplastic syndrome; Tumor predisposition. Identifiers: Orphanet 140162, MedGen C0027672, MeSH D009386, MONDO:0015356.

Submissions (6):

Evidence-based Network for the Interpretation of Germline Mutant Alleles (ENIGMA)
Classification: Pathogenic for Breast-ovarian cancer, familial, susceptibility to, 1. Last evaluated: 2016-10-18. Review status: reviewed by expert panel. Criteria: ENIGMA BRCA1/2 Classification Criteria (2015). Collection method: curation. Allele origin: germline.
Comment: Variant allele predicted to encode a truncated non-functional protein.

Ambry Genetics
Classification: Pathogenic for Hereditary cancer-predisposing syndrome. Last evaluated: 2025-05-27. Review status: criteria provided, single submitter. Criteria: Ambry Variant Classification Scheme 2023. Collection method: clinical testing. Allele origin: germline. Not counted in ClinVar's aggregate classification.
Comment: The p.E421* pathogenic mutation (also known as c.1261G>T), located in coding exon 9 of the BRCA1 gene, results from a G to T substitution at nucleotide position 1261. This changes the amino acid from a glutamic acid to a stop codon within coding exon 9. This variant was reported in individual(s) with features consistent with BRCA1-related cancer predisposition (Barnes-Kedar I et al. Breast Cancer Res Treat, 2018 Nov;172:151-157). This variant is considered to be rare based on population cohorts in the Genome Aggregation Database (gnomAD). In addition to the clinical data presented in the literature, this alteration is expected to result in loss of function by premature protein truncation or nonsense-mediated mRNA decay. As such, this alteration is interpreted as a disease-causing mutation.

Institute of Human Genetics, University of Leipzig Medical Center
Classification: Pathogenic for Familial cancer of breast. Last evaluated: 2023-11-01. Review status: criteria provided, single submitter. Criteria: ACMG Guidelines, 2015. Collection method: clinical testing. Allele origin: unknown. Inheritance: Autosomal dominant inheritance. Affected: yes. Not counted in ClinVar's aggregate classification.
Comment: Criteria applied: PVS1,PM5_STR,PM2_SUP

Labcorp Genetics (formerly Invitae), Labcorp
Classification: Pathogenic for Hereditary breast ovarian cancer syndrome. Last evaluated: 2023-04-04. Review status: criteria provided, single submitter. Criteria: Invitae Variant Classification Sherloc (09022015). Collection method: clinical testing. Allele origin: germline. Not counted in ClinVar's aggregate classification.
Comment: This sequence change creates a premature translational stop signal (p.Glu421*) in the BRCA1 gene. It is expected to result in an absent or disrupted protein product. Loss-of-function variants in BRCA1 are known to be pathogenic (PMID: 20104584). For these reasons, this variant has been classified as Pathogenic. ClinVar contains an entry for this variant (Variation ID: 266150). This premature translational stop signal has been observed in individual(s) with personal or family history of breast and/or ovarian cancer (PMID: 29446198). This variant is not present in population databases (gnomAD no frequency).

Institute for Clinical Genetics, University Hospital TU Dresden, University Hospital TU Dresden
Classification: Pathogenic. Last evaluated: 2021-11-03. Review status: criteria provided, single submitter. Criteria: ACMG Guidelines, 2015. Collection method: clinical testing. Allele origin: germline. Not counted in ClinVar's aggregate classification.

Consortium of Investigators of Modifiers of BRCA1/2 (CIMBA), c/o University of Cambridge
Classification: Pathogenic for Breast-ovarian cancer, familial, susceptibility to, 1. Last evaluated: 2015-10-02. Review status: criteria provided, single submitter. Criteria: CIMBA Mutation Classification guidelines May 2016. Collection method: clinical testing. Allele origin: germline. Not counted in ClinVar's aggregate classification.

Literature cited by the submitters: PubMed 30014164 (cited by Ambry Genetics); PubMed 20104584 (cited by Labcorp Genetics (formerly Invitae), Labcorp); PubMed 29446198 (cited by Labcorp Genetics (formerly Invitae), Labcorp).